The following is an entry in ClinVar:

NM_014698.3(TMEM63A):c.786G>A (p.Leu262=)

Gene: TMEM63A (transmembrane protein 63A; minus strand). Cytogenetic location: 1q42.12.
Variant type: single nucleotide variant.
Coding change: c.786G>A on transcript NM_014698.3 (MANE Select); coding-DNA position 786, G replaced by A.
Protein change: p.Leu262=; no amino-acid change (leucine 262 retained).
Molecular consequence: synonymous variant.
Genome position (GRCh38, 1-based): chr1:225,862,812, C>T on the plus strand (G>A on the coding strand, the complement: TMEM63A is on the minus strand). VCF-style: chr1-225862812-C-T. GRCh37 (hg19) VCF-style: chr1-226050512-C-T.
Identifiers: ClinVar variation 4083802 (VCV004083802.9).

ClinVar aggregate classification (germline): Likely benign. Review status: criteria provided, multiple submitters, no conflicts (2 of 4 stars). 2 submissions from 2 submitters: Likely benign (2). Last evaluated 2025-09-01.

gnomAD v4.1: 3,633 of 1,614,002 alleles (0.23%); highest among the groups gnomAD compares: Non-Finnish European, 0.27%; 5 homozygotes.

Submissions (2):

CeGaT Center for Human Genetics Tuebingen
Classification: Likely benign. Last evaluated: 2025-09-01. Review status: criteria provided, single submitter. Criteria: CeGaT Center For Human Genetics Tuebingen Variant Classification Criteria Version 2. Collection method: clinical testing. Allele origin: germline. Affected: yes. Observed: 2 variant alleles.
Comment: TMEM63A: BP4, BP7

Blueprint Genetics
Classification: Likely benign. Last evaluated: 2024-11-22. Review status: criteria provided, single submitter. Criteria: ACMG Guidelines, 2015. Collection method: clinical testing. Allele origin: germline.